The following is an entry in ClinVar:

NM_017617.5(NOTCH1):c.7138G>C (p.Val2380Leu)

Gene: NOTCH1 (notch receptor 1; minus strand). Cytogenetic location: 9q34.3.
Variant type: single nucleotide variant.
Coding change: c.7138G>C on transcript NM_017617.5 (MANE Select); coding-DNA position 7138, G replaced by C.
Protein change: p.Val2380Leu; replaces valine 2380 with leucine.
Molecular consequence: missense variant.
Genome position (GRCh38, 1-based): chr9:136,496,601, C>G on the plus strand (G>C on the coding strand, the complement: NOTCH1 is on the minus strand). VCF-style: chr9-136496601-C-G. GRCh37 (hg19) VCF-style: chr9-139391053-C-G.
Other names: short protein forms V2380L.
Identifiers: ClinVar variation 1354647 (VCV001354647.8), dbSNP rs769693988, ClinGen allele CA375627975.
Genomic context (GRCh38, chr9:136,496,601, plus strand): 5'-CTGGCTGCAGGTTCTGCTGCTGCATCTGTAAGTTTTGTGGCTGCACCTGCTGGGTCTGCA[C>G]CAGGTGAGGCTGGGTGGCCAGCCGGGTGCTGGGCAGGCCCTGGTAGCTCATCATCTGGGA-3'
Protein context (NP_060087.3, residues 2370-2390): STRLATQPHL[Val2380Leu]QTQQVQPQNL

ClinVar aggregate classification (germline): Uncertain significance (1 of 4 stars; one submission).

Conditions:
Adams-Oliver syndrome 5 (AOS5). Identifiers: Orphanet 974, MedGen C4014970, MONDO:0014459, OMIM 616028.

Submission:

Labcorp Genetics (formerly Invitae), Labcorp
Classification: Uncertain significance for Adams-Oliver syndrome 5. Last evaluated: 2022-07-26. Review status: criteria provided, single submitter. Criteria: Invitae Variant Classification Sherloc (09022015). Collection method: clinical testing. Allele origin: germline.
Comment: ClinVar contains an entry for this variant (Variation ID: 1354647). In summary, the available evidence is currently insufficient to determine the role of this variant in disease. Therefore, it has been classified as a Variant of Uncertain Significance. Advanced modeling of protein sequence and biophysical properties (such as structural, functional, and spatial information, amino acid conservation, physicochemical variation, residue mobility, and thermodynamic stability) performed at Invitae indicates that this missense variant is not expected to disrupt NOTCH1 protein function. This variant has not been reported in the literature in individuals affected with NOTCH1-related conditions. This variant is not present in population databases (gnomAD no frequency). This sequence change replaces valine, which is neutral and non-polar, with leucine, which is neutral and non-polar, at codon 2380 of the NOTCH1 protein (p.Val2380Leu).